The following is an entry in ClinVar:

NM_001372044.2(SHANK3):c.356A>G (p.Asn119Ser)

Gene: SHANK3 (SH3 and multiple ankyrin repeat domains 3; plus strand). Cytogenetic location: 22q13.33.
Variant type: single nucleotide variant.
Coding change: c.356A>G on transcript NM_001372044.2 (MANE Select); coding-DNA position 356, A replaced by G.
Protein change: p.Asn119Ser; replaces asparagine 119 with serine.
Molecular consequence: missense variant.
Genome position (GRCh38, 1-based): chr22:50,675,115, A>G. VCF-style: chr22-50675115-A-G. GRCh37 (hg19) VCF-style: chr22-51113543-A-G.
Other names: c.131A>G, p.Asn44Ser (NM_033517.1); short protein forms N119S, N44S.
Identifiers: ClinVar variation 2576655 (VCV002576655.1), dbSNP rs2518369006, ClinGen allele CA515251186.

ClinVar aggregate classification (germline): Uncertain significance (1 of 4 stars; one submission).

Allele frequency attached by ClinVar (database versions not stated): gnomAD exomes below 0.00001.

Submission:

GeneDx
Classification: Uncertain significance. Last evaluated: 2023-02-16. Review status: criteria provided, single submitter. Criteria: GeneDx Variant Classification Process June 2021. Collection method: clinical testing. Allele origin: germline. Affected: yes.
Comment: Not observed at significant frequency in large population cohorts (gnomAD); In silico analysis supports that this missense variant does not alter protein structure/function; Has not been previously published as pathogenic or benign to our knowledge